The following is an entry in ClinVar:

ClinVar aggregate classification (germline): Pathogenic (1 of 4 stars; one submission).

Submission:

Labcorp Genetics (formerly Invitae), Labcorp
Classification: Pathogenic. Last evaluated: 2025-02-16. Review status: criteria provided, single submitter. Criteria: Invitae Variant Classification Sherloc (09022015). Collection method: clinical testing. Allele origin: germline.
Comment: This sequence change creates a premature translational stop signal (p.Phe766Leufs*10) in the CYLD gene. It is expected to result in an absent or disrupted protein product. Loss-of-function variants in CYLD are known to be pathogenic (PMID: 19462465). This variant is not present in population databases (gnomAD no frequency). This variant has not been reported in the literature in individuals affected with CYLD-related conditions. For these reasons, this variant has been classified as Pathogenic.

Literature cited by the submitters: PubMed 19462465.

NM_001378743.1(CYLD):c.2298del (p.Phe766fs)

Genes: CYLD (CYLD lysine 63 deubiquitinase; plus strand), CYLD-AS2 (CYLD antisense RNA 2; minus strand). Cytogenetic location: 16q12.1.
Variant type: Deletion.
Coding change: c.2298del on transcript NM_001378743.1 (MANE Select); coding-DNA position 2298, one base deleted (T; older notation c.2298delT).
Protein change: p.Phe766fs; shifts the reading frame from phenylalanine 766.
Molecular consequence: frameshift variant. On other transcripts: non-coding transcript variant (1).
Genome position (GRCh38, 1-based): chr16:50,792,653, T deleted; the last of 3 consecutive T bases (chr16:50,792,651-50,792,653); deleting any one gives the same sequence. VCF-style (leftmost placement, unchanged base first): chr16-50792650-AT-A. GRCh37 (hg19) VCF-style: chr16-50826561-AT-A.
Other names: c.2289del, p.Phe763fs (NM_001042355.2, NM_001042412.3, NM_001378744.1 and 6 more transcripts); c.2259del, p.Phe753fs (NM_001378751.1, NM_001378752.1, NM_001378753.1); c.1623del, p.Phe541fs (NM_001378754.1, NM_001378755.1); c.2298del, p.Phe766fs (NM_015247.3); short protein forms F541fs, F753fs, F763fs, F766fs.
Identifiers: ClinVar variation 4763875 (VCV004763875.1).